The following is an entry in ClinVar:

NM_178335.3(CCDC50):c.886C>A (p.His296Asn)

Gene: CCDC50 (coiled-coil domain containing 50; plus strand). Cytogenetic location: 3q28.
Variant type: single nucleotide variant.
Coding change: c.886C>A on transcript NM_178335.3 (MANE Select); coding-DNA position 886, C replaced by A.
Protein change: p.His296Asn; replaces histidine 296 with asparagine.
Molecular consequence: missense variant. On other transcripts: intron variant (1).
Genome position (GRCh38, 1-based): chr3:191,375,499, C>A. VCF-style: chr3-191375499-C-A. GRCh37 (hg19) VCF-style: chr3-191093288-C-A.
Other names: c.449-4660C>A (NM_174908.4); short protein forms H296N.
Identifiers: ClinVar variation 1313566 (VCV001313566.2), dbSNP rs201801914, ClinGen allele CA355764826.

ClinVar aggregate classification (germline): Uncertain significance (1 of 4 stars; one submission).

Submission:

GeneDx
Classification: Uncertain significance. Last evaluated: 2020-11-11. Review status: criteria provided, single submitter. Criteria: GeneDx Variant Classification Process June 2021. Collection method: clinical testing. Allele origin: germline. Affected: yes.
Comment: Not observed in large population cohorts (Lek et al., 2016); In silico analysis supports that this missense variant does not alter protein structure/function; Has not been previously published as pathogenic or benign to our knowledge